The following is an entry in ClinVar:

NM_020376.4(PNPLA2):c.10C>T (p.Arg4Cys)

Genes: PNPLA2 (patatin like domain 2, triacylglycerol lipase; plus strand), LOC130005097 (ATAC-STARR-seq lymphoblastoid silent region 3036; plus strand). Cytogenetic location: 11p15.5.
Variant type: single nucleotide variant.
Coding change: c.10C>T on transcript NM_020376.4 (MANE Select); coding-DNA position 10, C replaced by T.
Protein change: p.Arg4Cys; replaces arginine 4 with cysteine.
Molecular consequence: missense variant.
Genome position (GRCh38, 1-based): chr11:819,728, C>T. VCF-style: chr11-819728-C-T. GRCh37 (hg19) VCF-style: chr11-819728-C-T.
Other names: c.10C>T (NM_020376.3); short protein forms R4C.
Identifiers: ClinVar variation 1416470 (VCV001416470.9), dbSNP rs1399044687, ClinGen allele CA378976113.

ClinVar aggregate classification (germline): Uncertain significance. Review status: criteria provided, multiple submitters, no conflicts (2 of 4 stars). 2 submissions from 2 submitters: Uncertain significance (2). Last evaluated 2026-08-27.

Conditions:
Neutral lipid storage myopathy (NLSDM). Also called: NEUTRAL LIPID STORAGE DISEASE WITHOUT ICHTHYOSIS. Identifiers: Orphanet 98908, MedGen C1853136, MONDO:0012545, OMIM 610717.

Allele frequency attached by ClinVar (database versions not stated): gnomAD exomes below 0.00001; TOPMed below 0.00001.

Submissions (2):

GeneDx
Classification: Uncertain significance. Last evaluated: 2026-08-27. Review status: criteria provided, single submitter. Criteria: GeneDx Variant Classification Process June 2021. Collection method: clinical testing. Allele origin: germline.
Comment: Not observed at significant frequency in large population cohorts (gnomAD); In silico analysis suggests that this missense variant does not alter protein structure/function; Has not been previously published as pathogenic or benign to our knowledge

Labcorp Genetics (formerly Invitae), Labcorp
Classification: Uncertain significance for Neutral lipid storage myopathy. Last evaluated: 2022-03-08. Review status: criteria provided, single submitter. Criteria: Invitae Variant Classification Sherloc (09022015). Collection method: clinical testing. Allele origin: germline.
Comment: Algorithms developed to predict the effect of missense changes on protein structure and function (SIFT, PolyPhen-2, Align-GVGD) all suggest that this variant is likely to be disruptive. This sequence change replaces arginine, which is basic and polar, with cysteine, which is neutral and slightly polar, at codon 4 of the PNPLA2 protein (p.Arg4Cys). This variant is not present in population databases (gnomAD no frequency). This variant has not been reported in the literature in individuals affected with PNPLA2-related conditions. In summary, the available evidence is currently insufficient to determine the role of this variant in disease. Therefore, it has been classified as a Variant of Uncertain Significance.